The following is an entry in ClinVar:

NM_000062.3(SERPING1):c.685+88G>A

Gene: SERPING1 (serpin family G member 1; plus strand). Cytogenetic location: 11q12.1.
Variant type: single nucleotide variant.
Coding change: c.685+88G>A on transcript NM_000062.3 (MANE Select); 88 bases into the intron after coding-DNA position 685, G replaced by A.
Molecular consequence: intron variant.
Genome position (GRCh38, 1-based): chr11:57,602,257, G>A. VCF-style: chr11-57602257-G-A. GRCh37 (hg19) VCF-style: chr11-57369730-G-A.
Other names: c.685+88G>A (NM_001032295.2).
Identifiers: ClinVar variation 92196 (VCV000092196.6), dbSNP rs11229063, ClinGen allele CA220123.
Genomic context (GRCh38, chr11:57,602,257, plus strand): 5'-GCAGAGGAGGGTCCTGAGAGGACTCTGAAGGGGGACCCAGCGCTGGGGAAAGAAAGGACA[G>A]AGGGAATGTTGGAGCTACAGTATCAGGGATGGACTGCAGAGCAGGTGAAGACCTTGGCAG-3'

ClinVar aggregate classification (germline): Benign. Review status: criteria provided, multiple submitters, no conflicts (2 of 4 stars). 4 submissions from 4 submitters: Benign (3). 1 of the submissions does not count toward it. Last evaluated 2015-03-03.

Conditions:
Hereditary angioedema type 1 (HAE1). Identifiers: Orphanet 100050, Orphanet 100051, Orphanet 91378, MedGen C2717906, MONDO:0015053, OMIM 106100.

Allele frequency attached by ClinVar (database versions not stated): 1000 Genomes Project 0.14736; 1000 Genomes Project 30x 0.14975; TOPMed 0.19466; gnomAD 0.20827 and 0.20974; gnomAD exomes 0.24779.
gnomAD v4.1: 364,643 of 1,495,888 alleles (24%); highest among the groups gnomAD compares: Middle Eastern, 27%; 47,155 homozygotes.

Submissions (4):

GeneDx
Classification: Benign. Last evaluated: 2015-03-03. Review status: criteria provided, single submitter. Criteria: GeneDx Variant Classification Process June 2021. Collection method: clinical testing. Allele origin: germline. Affected: yes.

Breakthrough Genomics
Classification: Benign. Review status: criteria provided, single submitter. Criteria: ACMG Guidelines, 2015. Collection method: not provided. Allele origin: germline. Inheritance: Autosomal recessive inheritance. Affected: yes.

CeMIA
Classification: Benign for Hereditary angioedema type 1. Review status: criteria provided, single submitter. Criteria: ACMG Guidelines, 2015. Collection method: clinical testing. Allele origin: germline. Affected: yes.
Comment: This variant is considered likely benign or benign based on one or more of the following criteria: allele frequency is >5% in Exome Sequencing Project, 1000 Genomes Project, or Exome Aggregation Consortium (BA1), allele frequency is greater than expected for disorder (BS1), it is observed in a healthy adult individual (BS2), it is predicted to be benign by multiple in silico algorithms (BP4), it is found in a case with an alternate molecular basis for the disease (BP5) and/or reputable source recently reports variant as benign (BP6).

Peking Union Medical College Hospital
No classification provided. Review status: no classification provided. Collection method: not provided. Allele origin: somatic. Not counted in ClinVar's aggregate classification.
Comment: this variant was observed in both patients with hereditary angioedema and healthy controls.

Literature cited by the submitters: PubMed 31959500 (cited by CeMIA).